The following is an entry in ClinVar:

ClinVar aggregate classification (germline): Uncertain significance (1 of 4 stars; one submission).

Allele frequency attached by ClinVar (database versions not stated): gnomAD 0.00001.
gnomAD v4.1: 14 of 1,551,596 alleles (0.0009%); highest among the groups gnomAD compares: Non-Finnish European, 0.0012%; no homozygotes.

Submission:

Labcorp Genetics (formerly Invitae), Labcorp
Classification: Uncertain significance. Last evaluated: 2023-06-20. Review status: criteria provided, single submitter. Criteria: Invitae Variant Classification Sherloc (09022015). Collection method: clinical testing. Allele origin: germline.
Comment: This variant is not present in population databases (gnomAD no frequency). This sequence change replaces serine, which is neutral and polar, with asparagine, which is neutral and polar, at codon 277 of the FOXI3 protein (p.Ser277Asn). This variant has not been reported in the literature in individuals affected with FOXI3-related conditions. In summary, the available evidence is currently insufficient to determine the role of this variant in disease. Therefore, it has been classified as a Variant of Uncertain Significance. Experimental studies and prediction algorithms are not available or were not evaluated, and the functional significance of this variant is currently unknown. ClinVar contains an entry for this variant (Variation ID: 1502615).

NM_001135649.3(FOXI3):c.830G>A (p.Ser277Asn)

Gene: FOXI3 (forkhead box I3; minus strand). Cytogenetic location: 2p11.2.
Variant type: single nucleotide variant.
Coding change: c.830G>A on transcript NM_001135649.3 (MANE Select); coding-DNA position 830, G replaced by A.
Protein change: p.Ser277Asn; replaces serine 277 with asparagine.
Molecular consequence: missense variant.
Genome position (GRCh38, 1-based): chr2:88,448,640, C>T on the plus strand (G>A on the coding strand, the complement: FOXI3 is on the minus strand). VCF-style: chr2-88448640-C-T. GRCh37 (hg19) VCF-style: chr2-88748159-C-T.
Other names: short protein forms S277N.
Identifiers: ClinVar variation 1502615 (VCV001502615.6), dbSNP rs1355615564, ClinGen allele CA347765186.